The following is an entry in ClinVar:

NM_001126108.2(SLC12A3):c.1180+2T>C

Gene: SLC12A3 (solute carrier family 12 member 3; plus strand). Cytogenetic location: 16q13.
Variant type: single nucleotide variant.
Coding change: c.1180+2T>C on transcript NM_001126108.2 (MANE Select); the canonical splice donor site of the intron after coding-DNA position 1180, T replaced by C.
Molecular consequence: splice donor variant.
Genome position (GRCh38, 1-based): chr16:56,878,163, T>C. VCF-style: chr16-56878163-T-C. GRCh37 (hg19) VCF-style: chr16-56912075-T-C.
Other names: c.1180+2T>C (NM_000339.3); c.1177+2T>C (NM_001126107.2, NM_001410896.1).
Identifiers: ClinVar variation 842688 (VCV000842688.11), dbSNP rs1212299212, ClinGen allele CA395985253.

ClinVar aggregate classification (germline): Pathogenic. Review status: criteria provided, multiple submitters, no conflicts (2 of 4 stars). 2 submissions from 2 submitters: Pathogenic (2). Last evaluated 2026-01-23.

Conditions:
Familial hypokalemia-hypomagnesemia (GTLMNS). Also called: HYPOMAGNESEMIA-HYPOKALEMIA, PRIMARY RENOTUBULAR, WITH HYPOCALCIURIA; POTASSIUM AND MAGNESIUM DEPLETION; gitelman syndrome. Identifiers: Orphanet 358, MedGen C0268450, MONDO:0009904, OMIM 263800.

Allele frequency attached by ClinVar (database versions not stated): gnomAD exomes below 0.00001.
gnomAD v4.1: 4 of 1,609,846 alleles (0.00025%); highest among the groups gnomAD compares: South Asian, 0.0022%; no homozygotes.

Submissions (2):

Natera, Inc.
Classification: Pathogenic for Gitelman syndrome. Last evaluated: 2026-01-23. Review status: criteria provided, single submitter. Criteria: Natera Variant Classification Schema (03/2026). Collection method: clinical testing. Allele origin: germline.
Comment: The c.1180+2T>C variant in SLC12A3 is a canonical splice donor site variant predicted to affect pre-mRNA splicing, which may result in an abnormal transcript and altered protein product. This variant is expected to result in nonsense mediated decay, truncation, or a dysfunctional protein product. This variant is rare in the general population with a frequency below the threshold expected for the associated phenotype(s). Another variant at this same site results in an alteration predicted to cause a similar molecular effect has been observed in individual(s) with the associated phenotype. Given the available evidence, this variant is classified as Pathogenic.

Labcorp Genetics (formerly Invitae), Labcorp
Classification: Pathogenic. Last evaluated: 2023-07-24. Review status: criteria provided, single submitter. Criteria: Invitae Variant Classification Sherloc (09022015). Collection method: clinical testing. Allele origin: germline.
Comment: This sequence change affects a donor splice site in intron 9 of the SLC12A3 gene. It is expected to disrupt RNA splicing. Variants that disrupt the donor or acceptor splice site typically lead to a loss of protein function (PMID: 16199547), and loss-of-function variants in SLC12A3 are known to be pathogenic (PMID: 20848653, 22009145, 25841442). This variant is present in population databases (no rsID available, gnomAD 0.003%). Disruption of this splice site has been observed in individuals with Gitelman syndrome (PMID: 14675033). ClinVar contains an entry for this variant (Variation ID: 842688). Algorithms developed to predict the effect of sequence changes on RNA splicing suggest that this variant may disrupt the consensus splice site. For these reasons, this variant has been classified as Pathogenic.

Literature cited by the submitters: PubMed 16199547 (cited by Labcorp Genetics (formerly Invitae), Labcorp); PubMed 20848653 (cited by Labcorp Genetics (formerly Invitae), Labcorp); PubMed 22009145 (cited by Labcorp Genetics (formerly Invitae), Labcorp); PubMed 25841442 (cited by Labcorp Genetics (formerly Invitae), Labcorp); PubMed 14675033 (cited by Labcorp Genetics (formerly Invitae), Labcorp).